The following is an entry in ClinVar:

NM_001846.4(COL4A2):c.315+14G>T

Gene: COL4A2 (collagen type IV alpha 2 chain; plus strand). Cytogenetic location: 13q34.
Variant type: single nucleotide variant.
Coding change: c.315+14G>T on transcript NM_001846.4 (MANE Select); 14 bases into the intron after coding-DNA position 315, G replaced by T.
Molecular consequence: intron variant.
Genome position (GRCh38, 1-based): chr13:110,424,882, G>T. VCF-style: chr13-110424882-G-T. GRCh37 (hg19) VCF-style: chr13-111077229-G-T.
Identifiers: ClinVar variation 311097 (VCV000311097.18), dbSNP rs78713113, ClinGen allele CA7048833.

ClinVar aggregate classification (germline): Benign/Likely benign. Review status: criteria provided, multiple submitters, no conflicts (2 of 4 stars). 7 submissions from 7 submitters: Benign (4); Likely benign (1). 2 of the submissions do not count toward it. Last evaluated 2026-02-03.

Conditions:
Brain small vessel disease 2A, autosomal dominant. Also called: Porencephaly 2. Identifiers: Orphanet 2940, Orphanet 99810, MedGen C3280970, MONDO:0013773, OMIM 614483.
Hemorrhage, intracerebral, susceptibility to (ICH). Also called: Stroke, hemorrhagic, susceptibility to. Identifiers: MedGen C3281105, MONDO:0100533, OMIM 614519.

Allele frequency attached by ClinVar (database versions not stated): gnomAD exomes 0.00203 and 0.00539; ExAC 0.00651; gnomAD 0.02016 and 0.02155; ESP Exome Variant Server 0.02079; 1000 Genomes Project 0.02157; TOPMed 0.02238; 1000 Genomes Project 30x 0.02342.
gnomAD v4.1: 6,181 of 1,614,116 alleles (0.38%); highest among the groups gnomAD compares: African/African-American, 7.2%; 198 homozygotes.

Submissions (7):

Labcorp Genetics (formerly Invitae), Labcorp
Classification: Benign. Last evaluated: 2026-02-03. Review status: criteria provided, single submitter. Criteria: Invitae Variant Classification Sherloc (09022015). Collection method: clinical testing. Allele origin: germline.

Fulgent Genetics
Classification: Likely benign for Brain small vessel disease 2A, autosomal dominant; Hemorrhage, intracerebral, susceptibility to. Last evaluated: 2021-09-27. Review status: criteria provided, single submitter. Criteria: ACMG Guidelines, 2015. Collection method: clinical testing. Allele origin: unknown.

GeneDx
Classification: Benign. Last evaluated: 2018-07-15. Review status: criteria provided, single submitter. Criteria: GeneDx Variant Classification Process June 2021. Collection method: clinical testing. Allele origin: germline. Affected: yes.

Illumina Laboratory Services, Illumina
Classification: Benign for Brain small vessel disease 2A, autosomal dominant. Last evaluated: 2018-01-13. Review status: criteria provided, single submitter. Criteria: ICSL Variant Classification Criteria 13 December 2019. Collection method: clinical testing. Allele origin: germline.
Comment: This variant was observed in the ICSL laboratory as part of a predisposition screen in an ostensibly healthy population. It had not been previously curated by ICSL or reported in the Human Gene Mutation Database (HGMD: prior to June 1st, 2018), and was therefore a candidate for classification through an automated scoring system. Utilizing variant allele frequency, disease prevalence and penetrance estimates, and inheritance mode, an automated score was calculated to assess if this variant is too frequent to cause the disease. Based on the score and internal cut-off values, a variant classified as benign is not then subjected to further curation. The score for this variant resulted in a classification of benign for this disease.

Breakthrough Genomics
Classification: Benign. Review status: criteria provided, single submitter. Criteria: ACMG Guidelines, 2015. Collection method: not provided. Allele origin: germline. Inheritance: Autosomal dominant inheritance. Affected: yes.

Clinical Genetics DNA and cytogenetics Diagnostics Lab, Erasmus MC, Erasmus Medical Center
Classification: Benign. Review status: no assertion criteria provided. Collection method: clinical testing. Allele origin: germline. Affected: yes. Study: VKGL Data-share Consensus. Not counted in ClinVar's aggregate classification.

Laboratory of Diagnostic Genome Analysis, Leiden University Medical Center (LUMC)
Classification: Benign. Review status: no assertion criteria provided. Collection method: clinical testing. Allele origin: germline. Affected: yes. Study: VKGL Data-share Consensus. Not counted in ClinVar's aggregate classification.